The following is an entry in ClinVar:

NM_022458.4(LMBR1):c.1026G>A (p.Thr342=)

Gene: LMBR1 (limb development membrane protein 1; minus strand). Cytogenetic location: 7q36.3.
Variant type: single nucleotide variant.
Coding change: c.1026G>A on transcript NM_022458.4 (MANE Select); coding-DNA position 1026, G replaced by A.
Protein change: p.Thr342=; no amino-acid change (threonine 342 retained).
Molecular consequence: synonymous variant. On other transcripts: non-coding transcript variant (2).
Genome position (GRCh38, 1-based): chr7:156,725,805, C>T on the plus strand (G>A on the coding strand, the complement: LMBR1 is on the minus strand). VCF-style: chr7-156725805-C-T. GRCh37 (hg19) VCF-style: chr7-156518499-C-T.
Other names: c.1149G>A, p.Thr383= (NM_001350953.2, NM_001363409.2); c.747G>A, p.Thr249= (NM_001350954.2); c.570G>A, p.Thr190= (NM_001350955.2, NM_001350956.2, NM_001350958.2 and 1 more transcripts); c.657G>A, p.Thr219= (NM_001350957.2, NM_001363411.2); c.1026G>A, p.Thr342= (NM_001363410.2); c.963G>A, p.Thr321= (NM_001363412.2).
Identifiers: ClinVar variation 909246 (VCV000909246.4), dbSNP rs140247020, ClinGen allele CA4587873.

ClinVar aggregate classification (germline): Benign (1 of 4 stars; one submission).

Conditions:
Polydactyly of a triphalangeal thumb. Also called: POLYDACTYLY OF TRIPHALANGEAL THUMB; TRIPHALANGEAL THUMB-POLYDACTYLY SYNDROME; Polydactyly, preaxial type II. Identifiers: Orphanet 2439, Orphanet 2950, Orphanet 93336, MedGen C1868114, MONDO:0008270, OMIM 174500.

Allele frequency attached by ClinVar (database versions not stated): gnomAD 0.00006; gnomAD exomes 0.00008; ExAC 0.00007; TOPMed 0.00005; 1000 Genomes Project 30x 0.00016; 1000 Genomes Project 0.00020; ESP Exome Variant Server 0.00031.
gnomAD v4.1: 190 of 1,613,532 alleles (0.012%); highest among the groups gnomAD compares: Non-Finnish European, 0.014%; no homozygotes.

Submission:

Illumina Laboratory Services, Illumina
Classification: Benign for Polydactyly of a triphalangeal thumb. Last evaluated: 2018-01-13. Review status: criteria provided, single submitter. Criteria: ICSL Variant Classification Criteria 13 December 2019. Collection method: clinical testing. Allele origin: germline.
Comment: This variant was observed in the ICSL laboratory as part of a predisposition screen in an ostensibly healthy population. It had not been previously curated by ICSL or reported in the Human Gene Mutation Database (HGMD: prior to June 1st, 2018), and was therefore a candidate for classification through an automated scoring system. Utilizing variant allele frequency, disease prevalence and penetrance estimates, and inheritance mode, an automated score was calculated to assess if this variant is too frequent to cause the disease. Based on the score and internal cut-off values, a variant classified as benign is not then subjected to further curation. The score for this variant resulted in a classification of benign for this disease.